The following is an entry in ClinVar:

ClinVar aggregate classification (germline): Uncertain significance (1 of 4 stars; one submission).

Allele frequency attached by ClinVar (database versions not stated): gnomAD 0.00001; gnomAD exomes 0.00001; TOPMed 0.00001; ExAC 0.00002; ESP Exome Variant Server 0.00008.
gnomAD v4.1: 2 of 1,614,044 alleles (0.00012%); highest among the groups gnomAD compares: African/African-American, 0.0027%; no homozygotes.

Submission:

Labcorp Genetics (formerly Invitae), Labcorp
Classification: Uncertain significance. Last evaluated: 2026-01-08. Review status: criteria provided, single submitter. Criteria: Invitae Variant Classification Sherloc (09022015). Collection method: clinical testing. Allele origin: germline.
Comment: This sequence change replaces alanine, which is neutral and non-polar, with valine, which is neutral and non-polar, at codon 668 of the LRP5 protein (p.Ala668Val). This variant is present in population databases (rs149130784, gnomAD 0.01%). This variant has not been reported in the literature in individuals affected with LRP5-related conditions. ClinVar contains an entry for this variant (Variation ID: 1040291). Invitae Evidence Modeling of protein sequence and biophysical properties (such as structural, functional, and spatial information, amino acid conservation, physicochemical variation, residue mobility, and thermodynamic stability) indicates that this missense variant is not expected to disrupt LRP5 protein function with a negative predictive value of 95%. In summary, the available evidence is currently insufficient to determine the role of this variant in disease. Therefore, it has been classified as a Variant of Uncertain Significance.

NM_002335.4(LRP5):c.2003C>T (p.Ala668Val)

Gene: LRP5 (LDL receptor related protein 5; plus strand). Cytogenetic location: 11q13.2.
Variant type: single nucleotide variant.
Coding change: c.2003C>T on transcript NM_002335.4 (MANE Select); coding-DNA position 2003, C replaced by T.
Protein change: p.Ala668Val; replaces alanine 668 with valine.
Molecular consequence: missense variant.
Genome position (GRCh38, 1-based): chr11:68,406,725, C>T. VCF-style: chr11-68406725-C-T. GRCh37 (hg19) VCF-style: chr11-68174193-C-T.
Other names: c.260C>T, p.Ala87Val (NM_001291902.2); short protein forms A668V, A87V.
Identifiers: ClinVar variation 1040291 (VCV001040291.8), dbSNP rs149130784, ClinGen allele CA6149505.